The following is an entry in ClinVar:

ClinVar aggregate classification (germline): Uncertain significance (1 of 4 stars; one submission).

Conditions:
Cardiovascular phenotype. Identifiers: MedGen CN230736.

Submission:

Ambry Genetics
Classification: Uncertain significance for Cardiovascular phenotype. Last evaluated: 2024-10-19. Review status: criteria provided, single submitter. Criteria: Ambry Variant Classification Scheme 2023. Collection method: clinical testing. Allele origin: germline.
Comment: The p.P112H variant (also known as c.335C>A), located in coding exon 3 of the GPD1L gene, results from a C to A substitution at nucleotide position 335. The proline at codon 112 is replaced by histidine, an amino acid with similar properties. This amino acid position is conserved. In addition, this alteration is predicted to be tolerated by in silico analysis. Based on the available evidence, the clinical significance of this variant remains unclear.

NM_015141.4(GPD1L):c.335C>A (p.Pro112His)

Gene: GPD1L (glycerol-3-phosphate dehydrogenase 1 like; plus strand). Cytogenetic location: 3p22.3.
Variant type: single nucleotide variant.
Coding change: c.335C>A on transcript NM_015141.4 (MANE Select); coding-DNA position 335, C replaced by A.
Protein change: p.Pro112His; replaces proline 112 with histidine.
Molecular consequence: missense variant.
Genome position (GRCh38, 1-based): chr3:32,138,696, C>A. VCF-style: chr3-32138696-C-A. GRCh37 (hg19) VCF-style: chr3-32180188-C-A.
Other names: short protein forms P112H.
Identifiers: ClinVar variation 3521608 (VCV003521608.1).